The following is an entry in ClinVar:

NM_001376.5(DYNC1H1):c.7615-8G>A

Gene: DYNC1H1 (dynein cytoplasmic 1 heavy chain 1; plus strand). Cytogenetic location: 14q32.31.
Variant type: single nucleotide variant.
Coding change: c.7615-8G>A on transcript NM_001376.5 (MANE Select); 8 bases into the intron before coding-DNA position 7615, G replaced by A.
Molecular consequence: intron variant.
Genome position (GRCh38, 1-based): chr14:102,016,758, G>A. VCF-style: chr14-102016758-G-A. GRCh37 (hg19) VCF-style: chr14-102483095-G-A.
Other names: c.7615-8G>A (NM_001376.4).
Identifiers: ClinVar variation 1593261 (VCV001593261.9), dbSNP rs375161806, ClinGen allele CA7352865.

ClinVar aggregate classification (germline): Likely benign. Review status: criteria provided, multiple submitters, no conflicts (2 of 4 stars). 2 submissions from 2 submitters: Likely benign (2). Last evaluated 2026-05-11.

Conditions:
DYNC1H1-related disorder. Also called: DYNC1H1-related condition; DYNC1H1-related disorders. Identifiers: MedGen CN381529.
Charcot-Marie-Tooth disease axonal type 2O. Also called: CHARCOT-MARIE-TOOTH NEUROPATHY, AXONAL, TYPE 2O; CHARCOT-MARIE-TOOTH DISEASE, AXONAL, AUTOSOMAL DOMINANT, TYPE 2O; Charcot-Marie-Tooth Neuropathy Type 2O; Charcot-Marie-Tooth disease, axonal, type 20. Identifiers: Orphanet 284232, MedGen C3280220, MONDO:0013644, OMIM 614228.

Allele frequency attached by ClinVar (database versions not stated): ExAC 0.00002; gnomAD exomes 0.00002; gnomAD 0.00005 and 0.00006; TOPMed 0.00006.
gnomAD v4.1: 39 of 1,612,886 alleles (0.0024%); highest among the groups gnomAD compares: Middle Eastern, 0.017%; no homozygotes.

Submissions (2):

PreventionGenetics, part of Exact Sciences
Classification: Likely benign for DYNC1H1-related condition. Last evaluated: 2026-05-11. Review status: criteria provided, single submitter. Criteria: ACMG Guidelines, 2015. Collection method: clinical testing. Allele origin: germline.
Comment: This variant is classified as likely benign based on ACMG/AMP sequence variant interpretation guidelines (Richards et al. 2015 PMID: 25741868, with internal and published modifications).

Labcorp Genetics (formerly Invitae), Labcorp
Classification: Likely benign for Charcot-Marie-Tooth disease axonal type 2O. Last evaluated: 2025-10-01. Review status: criteria provided, single submitter. Criteria: Invitae Variant Classification Sherloc (09022015). Collection method: clinical testing. Allele origin: germline.